The following is an entry in ClinVar:

NM_014712.3(SETD1A):c.4913G>T (p.Cys1638Phe)

Gene: SETD1A (SET domain containing 1A, histone lysine methyltransferase; plus strand). Cytogenetic location: 16p11.2.
Variant type: single nucleotide variant.
Coding change: c.4913G>T on transcript NM_014712.3 (MANE Select); coding-DNA position 4913, G replaced by T.
Protein change: p.Cys1638Phe; replaces cysteine 1638 with phenylalanine.
Molecular consequence: missense variant.
Genome position (GRCh38, 1-based): chr16:30,983,735, G>T. VCF-style: chr16-30983735-G-T. GRCh37 (hg19) VCF-style: chr16-30995056-G-T.
Other names: c.4913G>T (NM_014712.1); short protein forms C1638F.
Identifiers: ClinVar variation 2504127 (VCV002504127.3), dbSNP rs1567367226, ClinGen allele CA395636455.
Genomic context (GRCh38, chr16:30,983,735, plus strand): 5'-GCATTGGCAGCAGCTACCTGTTCCGGGTGGACCACGACACCATCATCGATGCCACCAAGT[G>T]TGGCAACCTGGCCAGATTCATCAACCACTGCTGCACGGTGCGCCAGGGGCCAGCCGGGGC-3'
Protein context (NP_055527.1, residues 1628-1648): DHDTIIDATK[Cys1638Phe]GNLARFINHC

ClinVar aggregate classification (germline): Uncertain significance. Review status: criteria provided, multiple submitters, no conflicts (2 of 4 stars). 2 submissions from 2 submitters: Uncertain significance (2). Last evaluated 2025-04-16.

Conditions:
Inborn genetic diseases. Identifiers: MedGen C0950123, MeSH D030342.

gnomAD v4.1: 4 of 1,614,170 alleles (0.00025%); highest among the groups gnomAD compares: South Asian, 0.0011%; no homozygotes.

Submissions (2):

Ambry Genetics
Classification: Uncertain significance for Inborn genetic diseases. Last evaluated: 2025-04-16. Review status: criteria provided, single submitter. Criteria: Ambry Variant Classification Scheme 2023. Collection method: clinical testing. Allele origin: germline.

Centre of Medical Genetics, University Hospital Muenster
Classification: Uncertain significance. Last evaluated: 2023-03-21. Review status: criteria provided, single submitter. Criteria: ACMG Guidelines, 2015. Collection method: clinical testing. Allele origin: unknown. Affected: yes. Observed: 1 variant allele, 1 heterozygote.
Comment: ACMG categories: PM1,PM2,BP1